The following is an entry in ClinVar:

NM_001203.3(BMPR1B):c.444C>G (p.Phe148Leu)

Gene: BMPR1B (bone morphogenetic protein receptor type 1B; plus strand). Cytogenetic location: 4q22.3.
Variant type: single nucleotide variant.
Coding change: c.444C>G on transcript NM_001203.3 (MANE Select); coding-DNA position 444, C replaced by G.
Protein change: p.Phe148Leu; replaces phenylalanine 148 with leucine.
Molecular consequence: missense variant.
Genome position (GRCh38, 1-based): chr4:95,123,904, C>G. VCF-style: chr4-95123904-C-G. GRCh37 (hg19) VCF-style: chr4-96045055-C-G.
Other names: c.444C>G, p.Phe148Leu (NM_001256792.2, NM_001256794.1); c.534C>G, p.Phe178Leu (NM_001256793.2); short protein forms F148L, F178L.
Identifiers: ClinVar variation 4787845 (VCV004787845.1).

ClinVar aggregate classification (germline): Uncertain significance (1 of 4 stars; one submission).

Conditions:
Acromesomelic dysplasia 3 (AMD3). Also called: Acromesomelic dysplasia, Demirhan type; CHONDRODYSPLASIA, ACROMESOMELIC, WITH OR WITHOUT GENITAL ANOMALIES. Identifiers: MedGen C4225404, MONDO:0012274, OMIM 609441.
Type A2 brachydactyly (BDA2). Also called: BRACHYMESOPHALANGY II; MOHR-WRIEDT TYPE BRACHYDACTYLY; Brachymesophalangy type 2. Identifiers: Orphanet 93396, MedGen C1832702, MONDO:0007216, OMIM 112600, HP:0009372.

gnomAD v4.1: 4 of 1,606,262 alleles (0.00025%); highest among the groups gnomAD compares: African/African-American, 0.004%; no homozygotes.

Submission:

Labcorp Genetics (formerly Invitae), Labcorp
Classification: Uncertain significance for Type A2 brachydactyly; Acromesomelic dysplasia 3. Last evaluated: 2025-09-06. Review status: criteria provided, single submitter. Criteria: Invitae Variant Classification Sherloc (09022015). Collection method: clinical testing. Allele origin: germline.
Comment: This sequence change replaces phenylalanine, which is neutral and non-polar, with leucine, which is neutral and non-polar, at codon 148 of the BMPR1B protein (p.Phe148Leu). This variant is not present in population databases (gnomAD no frequency). This variant has not been reported in the literature in individuals affected with BMPR1B-related conditions. Invitae Evidence Modeling of protein sequence and biophysical properties (such as structural, functional, and spatial information, amino acid conservation, physicochemical variation, residue mobility, and thermodynamic stability) indicates that this missense variant is not expected to disrupt BMPR1B protein function with a negative predictive value of 80%. In summary, the available evidence is currently insufficient to determine the role of this variant in disease. Therefore, it has been classified as a Variant of Uncertain Significance.